The following is an entry in ClinVar:

ClinVar aggregate classification (germline): Uncertain significance (1 of 4 stars; one submission).

Conditions:
Spastic paraplegia. Identifiers: MedGen C0037772, HP:0001258.

gnomAD v4.1: 2 of 1,212,099 alleles (0.00017%); highest among the groups gnomAD compares: African/African-American, 0.0017%; no homozygotes.

Submission:

Labcorp Genetics (formerly Invitae), Labcorp
Classification: Uncertain significance for Spastic paraplegia. Last evaluated: 2025-12-15. Review status: criteria provided, single submitter. Criteria: Invitae Variant Classification Sherloc (09022015). Collection method: clinical testing. Allele origin: germline.
Comment: This sequence change replaces isoleucine, which is neutral and non-polar, with valine, which is neutral and non-polar, at codon 508 of the L1CAM protein (p.Ile508Val). This variant is not present in population databases (gnomAD no frequency). This variant has not been reported in the literature in individuals affected with L1CAM-related conditions. Invitae Evidence Modeling of protein sequence and biophysical properties (such as structural, functional, and spatial information, amino acid conservation, physicochemical variation, residue mobility, and thermodynamic stability) indicates that this missense variant is not expected to disrupt L1CAM protein function with a negative predictive value of 95%. In summary, the available evidence is currently insufficient to determine the role of this variant in disease. Therefore, it has been classified as a Variant of Uncertain Significance.

NM_001278116.2(L1CAM):c.1522A>G (p.Ile508Val)

Gene: L1CAM (L1 cell adhesion molecule; minus strand). Cytogenetic location: Xq28.
Variant type: single nucleotide variant.
Coding change: c.1522A>G on transcript NM_001278116.2 (MANE Select); coding-DNA position 1522, A replaced by G.
Protein change: p.Ile508Val; replaces isoleucine 508 with valine.
Molecular consequence: missense variant.
Genome position (GRCh38, 1-based): chrX:153,868,585, T>C on the plus strand (A>G on the coding strand, the complement: L1CAM is on the minus strand). VCF-style: chrX-153868585-T-C. GRCh37 (hg19) VCF-style: chrX-153134040-T-C.
Other names: c.1522A>G, p.Ile508Val (NM_000425.5, NM_024003.3); c.1507A>G, p.Ile503Val (NM_001143963.2); short protein forms I503V, I508V.
Identifiers: ClinVar variation 4708138 (VCV004708138.1).